The following is an entry in ClinVar:

ClinVar aggregate classification (germline): Uncertain significance (1 of 4 stars; one submission).

Conditions:
Pontocerebellar hypoplasia type 3 (PCH3). Also called: PCH WITH OPTIC ATROPHY; CEREBELLAR ATROPHY WITH PROGRESSIVE MICROCEPHALY. Identifiers: Orphanet 97249, MedGen C1842687, MONDO:0011948, OMIM 608027.

gnomAD v4.1: 1 of 1,613,864 alleles (0.000062%); no homozygotes.

Submission:

Baylor Genetics
Classification: Uncertain significance for Pontocerebellar hypoplasia type 3. Last evaluated: 2019-09-27. Review status: criteria provided, single submitter. Criteria: ACMG Guidelines, 2015. Collection method: clinical testing. Allele origin: unknown. Affected: yes.
Comment: This variant was determined to be of uncertain significance according to ACMG Guidelines, 2015 [PMID:25741868].

NM_033026.6(PCLO):c.10918T>C (p.Phe3640Leu)

Gene: PCLO (piccolo presynaptic cytomatrix protein; minus strand). Cytogenetic location: 7q21.11.
Variant type: single nucleotide variant.
Coding change: c.10918T>C on transcript NM_033026.6 (MANE Select); coding-DNA position 10918, T replaced by C.
Protein change: p.Phe3640Leu; replaces phenylalanine 3640 with leucine.
Molecular consequence: missense variant.
Genome position (GRCh38, 1-based): chr7:82,949,670, A>G on the plus strand (T>C on the coding strand, the complement: PCLO is on the minus strand). VCF-style: chr7-82949670-A-G. GRCh37 (hg19) VCF-style: chr7-82578986-A-G.
Other names: c.10918T>C, p.Phe3640Leu (NM_014510.3); short protein forms F3640L.
Identifiers: ClinVar variation 1028487 (VCV001028487.1), dbSNP rs1795285617, ClinGen allele CA367901285.
Genomic context (GRCh38, chr7:82,949,670, plus strand): 5'-CTGGATGCAGTACTTTCTGTGGACTTATATCATCAGGGAGGGGTTTTTCATAAGGTACAA[A>G]GGCTGATTCTAAGGCTTTGCCTGGTGAAAGTGGTGAGATGGGTGAGTAAAGGACTTTGGG-3'
Protein context (NP_149015.2, residues 3630-3650): LSPGKALESA[Phe3640Leu]VPYEKPLPDD